The following is an entry in ClinVar:

ClinVar aggregate classification (germline): Uncertain significance (1 of 4 stars; one submission).

Submission:

Ambry Genetics
Classification: Uncertain significance. Last evaluated: 2025-05-31. Review status: criteria provided, single submitter. Criteria: Ambry Variant Classification Scheme 2023. Collection method: clinical testing. Allele origin: germline.
Comment: The p.V405L variant (also known as c.1213G>T), located in coding exon 9 of the RINT1 gene, results from a G to T substitution at nucleotide position 1213. The valine at codon 405 is replaced by leucine, an amino acid with highly similar properties. This amino acid position is conserved. In addition, this alteration is predicted to be tolerated by in silico analysis. Since supporting evidence is limited at this time, the clinical significance of this alteration remains unclear.

NM_021930.6(RINT1):c.1213G>T (p.Val405Leu)

Gene: RINT1 (RAD50 interactor 1; plus strand). Cytogenetic location: 7q22.3.
Variant type: single nucleotide variant.
Coding change: c.1213G>T on transcript NM_021930.6 (MANE Select); coding-DNA position 1213, G replaced by T.
Protein change: p.Val405Leu; replaces valine 405 with leucine.
Molecular consequence: missense variant. On other transcripts: non-coding transcript variant (1).
Genome position (GRCh38, 1-based): chr7:105,550,366, G>T. VCF-style: chr7-105550366-G-T. GRCh37 (hg19) VCF-style: chr7-105190813-G-T.
Other names: c.979G>T, p.Val327Leu (NM_001346599.2); c.190G>T, p.Val64Leu (NM_001346600.2, NM_001346603.2); c.289G>T, p.Val97Leu (NM_001346601.2); short protein forms V64L, V327L, V405L, V97L.
Identifiers: ClinVar variation 2563352 (VCV002563352.3), dbSNP rs768687841, ClinGen allele CA368809206.